The following is an entry in ClinVar:

NM_032043.3(BRIP1):c.441_442del (p.Tyr147_Arg148delinsTer)

Gene: BRIP1 (BRCA1 interacting DNA helicase 1; minus strand). Cytogenetic location: 17q23.2.
Variant type: Deletion.
Coding change: c.441_442del on transcript NM_032043.3 (MANE Select); coding-DNA positions 441 to 442, 2 bases deleted (CA; older notation c.441_442delCA).
Protein change: p.Tyr147_Arg148delinsTer.
Molecular consequence: nonsense.
Genome position (GRCh38, 1-based): chr17:61,849,194-61,849,195, TG deleted on the plus strand (CA on the coding strand, the reverse complement: BRIP1 is on the minus strand); deleting any 2 consecutive bases within chr17:61,849,194-61,849,196 gives the same sequence; the c. name uses the placement nearest the transcript's 3' end. VCF-style (leftmost placement, unchanged base first): chr17-61849193-CTG-C. GRCh37 (hg19) VCF-style: chr17-59926554-CTG-C.
Identifiers: ClinVar variation 968800 (VCV000968800.8), dbSNP rs2078779429, ClinGen allele CA1139665807.

ClinVar aggregate classification (germline): Pathogenic (1 of 4 stars; one submission).

Conditions:
Fanconi anemia complementation group J. Also called: BRIP1-Related Fanconi Anemia. Identifiers: Orphanet 84, MedGen C1836860, MONDO:0012187, OMIM 609054.
Familial cancer of breast. Also called: BREAST CANCER, FAMILIAL; Hereditary breast cancer; hereditary breast carcinoma. Identifiers: Orphanet 227535, MedGen C0346153, MONDO:0016419, OMIM 114480. Disease mechanism: loss of function.

Submission:

Labcorp Genetics (formerly Invitae), Labcorp
Classification: Pathogenic for Familial cancer of breast; Fanconi anemia complementation group J. Last evaluated: 2019-10-21. Review status: criteria provided, single submitter. Criteria: Invitae Variant Classification Sherloc (09022015). Collection method: clinical testing. Allele origin: germline.
Comment: For these reasons, this variant has been classified as Pathogenic. Loss-of-function variants in BRIP1 are known to be pathogenic (PMID: 16116423, 17033622, 21964575). This variant has not been reported in the literature in individuals with BRIP1-related conditions. This variant is not present in population databases (ExAC no frequency). This sequence change creates a premature translational stop signal (p.Tyr147*) in the BRIP1 gene. It is expected to result in an absent or disrupted protein product.

Literature cited by the submitters: PubMed 16116423; PubMed 17033622; PubMed 21964575.